The following is an entry in ClinVar:

NM_001920.5(DCN):c.529A>T (p.Ile177Phe)

Gene: DCN (decorin; minus strand). Cytogenetic location: 12q21.33.
Variant type: single nucleotide variant.
Coding change: c.529A>T on transcript NM_001920.5 (MANE Select); coding-DNA position 529, A replaced by T.
Protein change: p.Ile177Phe; replaces isoleucine 177 with phenylalanine.
Molecular consequence: missense variant. On other transcripts: intron variant (4).
Genome position (GRCh38, 1-based): chr12:91,158,305, T>A on the plus strand (A>T on the coding strand, the complement: DCN is on the minus strand). VCF-style: chr12-91158305-T-A. GRCh37 (hg19) VCF-style: chr12-91552082-T-A.
Other names: c.529A>T, p.Ile177Phe (NM_133503.4); c.212-12053A>T (NM_133507.3); c.212-5116A>T (NM_133505.3); c.212-1117A>T (NM_133504.3); c.324+6300A>T (NM_133506.3); short protein forms I177F.
Identifiers: ClinVar variation 310658 (VCV000310658.6), dbSNP rs201430261, ClinGen allele CA6717046.
Genomic context (GRCh38, chr12:91,158,305, plus strand): 5'-CTTAAGATAAAAACTTGAGTTTTGGTCTTAAAGTTATAAAAATGTCTGTACCTATGACAA[T>A]CATCTGGTTCAGTCCATTGAAAGTAACTTTTCGCACTTTGGTGATCTCATTCTCATGGGC-3'
Protein context (NP_001911.1, residues 167-187): KVTFNGLNQM[Ile177Phe]VIELGTNPLK

ClinVar aggregate classification (germline): Benign. Review status: criteria provided, multiple submitters, no conflicts (2 of 4 stars). 2 submissions from 2 submitters: Benign (2). Last evaluated 2025-06-16.

Conditions:
Congenital stromal corneal dystrophy (CSCD). Identifiers: Orphanet 101068, MedGen C1864738, MONDO:0012401, OMIM 610048.

Allele frequency attached by ClinVar (database versions not stated): 1000 Genomes Project 30x 0.00016; gnomAD 0.00016 and 0.00018; TOPMed 0.00016; 1000 Genomes Project 0.00020; ExAC 0.00020; ESP Exome Variant Server 0.00031.
gnomAD v4.1: 356 of 1,597,200 alleles (0.022%); highest among the groups gnomAD compares: Non-Finnish European, 0.027%; no homozygotes.

Submissions (2):

Labcorp Genetics (formerly Invitae), Labcorp
Classification: Benign. Last evaluated: 2025-06-16. Review status: criteria provided, single submitter. Criteria: Invitae Variant Classification Sherloc (09022015). Collection method: clinical testing. Allele origin: germline.

Illumina Laboratory Services, Illumina
Classification: Benign for Congenital stromal corneal dystrophy. Last evaluated: 2018-01-12. Review status: criteria provided, single submitter. Criteria: ICSL Variant Classification Criteria 13 December 2019. Collection method: clinical testing. Allele origin: germline.
Comment: This variant was observed in the ICSL laboratory as part of a predisposition screen in an ostensibly healthy population. It had not been previously curated by ICSL or reported in the Human Gene Mutation Database (HGMD: prior to June 1st, 2018), and was therefore a candidate for classification through an automated scoring system. Utilizing variant allele frequency, disease prevalence and penetrance estimates, and inheritance mode, an automated score was calculated to assess if this variant is too frequent to cause the disease. Based on the score and internal cut-off values, a variant classified as benign is not then subjected to further curation. The score for this variant resulted in a classification of benign for this disease.